The following is an entry in ClinVar:

NM_201384.3(PLEC):c.8417T>C (p.Leu2806Pro)

Gene: PLEC (plectin; minus strand). Cytogenetic location: 8q24.3.
Variant type: single nucleotide variant.
Coding change: c.8417T>C on transcript NM_201384.3 (MANE Select); coding-DNA position 8417, T replaced by C.
Protein change: p.Leu2806Pro; replaces leucine 2806 with proline.
Molecular consequence: missense variant.
Genome position (GRCh38, 1-based): chr8:143,921,404, A>G on the plus strand (T>C on the coding strand, the complement: PLEC is on the minus strand). VCF-style: chr8-143921404-A-G. GRCh37 (hg19) VCF-style: chr8-144995572-A-G.
Other names: c.8498T>C, p.Leu2833Pro (NM_000445.5); c.8375T>C, p.Leu2792Pro (NM_201378.4); c.8351T>C, p.Leu2784Pro (NM_201379.3); c.8828T>C, p.Leu2943Pro (NM_201380.4); c.8321T>C, p.Leu2774Pro (NM_201381.3); c.8417T>C, p.Leu2806Pro (NM_201382.4); c.8429T>C, p.Leu2810Pro (NM_201383.3); short protein forms L2774P, L2784P, L2792P, L2806P, L2810P, L2833P, L2943P.
Identifiers: ClinVar variation 500697 (VCV000500697.10), dbSNP rs1554685611, ClinGen allele CA372516082.

ClinVar aggregate classification (germline): Uncertain significance. Review status: criteria provided, multiple submitters, no conflicts (2 of 4 stars). 2 submissions from 2 submitters: Uncertain significance (2). Last evaluated 2025-07-22.

Conditions:
Epidermolysis bullosa simplex 5B, with muscular dystrophy (EBS5B). Also called: EPIDERMOLYSIS BULLOSA SIMPLEX AND LIMB-GIRDLE MUSCULAR DYSTROPHY; Epidermolysis bullosa simplex with muscular dystrophy. Identifiers: Orphanet 257, MedGen C2931072, MONDO:0009181, OMIM 226670.
Epidermolysis bullosa simplex, Ogna type (EBS5A). Also called: Pidermolysis bullosa simplex 5A, Ogna type; EPIDERMOLYSIS BULLOSA SIMPLEX 5A, OGNA TYPE. Identifiers: Orphanet 79401, MedGen C0432317, MONDO:0007555, OMIM 131950.
Autosomal recessive limb-girdle muscular dystrophy type 2Q (LGMDR17). Also called: MUSCULAR DYSTROPHY, LIMB-GIRDLE, AUTOSOMAL RECESSIVE 17. Identifiers: Orphanet 254361, MedGen C3150989, MONDO:0013390, OMIM 613723.
Epidermolysis bullosa simplex 5C, with pyloric atresia (EBS5C). Also called: Epidermolysis bullosa simplex with pyloric atresia; PLEC1-Related Epidermolysis Bullosa with Pyloric Atresia; PLEC-Related Epidermolysis Bullosa with Pyloric Atresia. Identifiers: Orphanet 158684, MedGen C2677349, MONDO:0012807, OMIM 612138.
Epidermolysis bullosa simplex with nail dystrophy (EBS5D). Identifiers: MedGen C4225309, MONDO:0014661, OMIM 616487.

Allele frequency attached by ClinVar (database versions not stated): gnomAD exomes below 0.00001.
gnomAD v4.1: 2 of 1,613,406 alleles (0.00012%); no homozygotes.

Submissions (2):

Labcorp Genetics (formerly Invitae), Labcorp
Classification: Uncertain significance for Autosomal recessive limb-girdle muscular dystrophy type 2Q; Epidermolysis bullosa simplex, Ogna type; Epidermolysis bullosa simplex with nail dystrophy; Epidermolysis bullosa simplex 5C, with pyloric atresia; Epidermolysis bullosa simplex 5B, with muscular dystrophy. Last evaluated: 2025-07-22. Review status: criteria provided, single submitter. Criteria: Invitae Variant Classification Sherloc (09022015). Collection method: clinical testing. Allele origin: germline.
Comment: This sequence change replaces leucine, which is neutral and non-polar, with proline, which is neutral and non-polar, at codon 2833 of the PLEC protein (p.Leu2833Pro). This variant is present in population databases (no rsID available, gnomAD 0.003%). This variant has not been reported in the literature in individuals affected with PLEC-related conditions. ClinVar contains an entry for this variant (Variation ID: 500697). An algorithm developed to predict the effect of missense changes on protein structure and function (PolyPhen-2) suggests that this variant is likely to be disruptive. In summary, the available evidence is currently insufficient to determine the role of this variant in disease. Therefore, it has been classified as a Variant of Uncertain Significance.

Eurofins Ntd Llc (ga)
Classification: Uncertain significance. Last evaluated: 2017-03-05. Review status: criteria provided, single submitter. Criteria: EGL Classification Definitions 2015. Collection method: clinical testing. Allele origin: germline. Observed: 1 variant allele, 1 heterozygote.